The following is an entry in ClinVar:

ClinVar aggregate classification (germline): Uncertain significance. Review status: criteria provided, multiple submitters, no conflicts (2 of 4 stars). 3 submissions from 3 submitters: Uncertain significance (3). Last evaluated 2026-07-07.

Conditions:
Anemia, nonspherocytic hemolytic, due to G6PD deficiency (CNSHA1). Also called: ANEMIA, CONGENITAL, NONSPHEROCYTIC HEMOLYTIC, 1; Class I glucose-6-phosphate dehydrogenase deficiency; Favism, susceptibility to; Hemolytic anemia due to G6PD deficiency. Identifiers: Orphanet 466026, MedGen C2720289, MONDO:0010480, OMIM 300908.

Allele frequency attached by ClinVar (database versions not stated): gnomAD exomes 0.00001 and below 0.00001; ExAC 0.00001; gnomAD 0.00001; TOPMed 0.00001.
gnomAD v4.1: 6 of 1,209,651 alleles (0.0005%); highest among the groups gnomAD compares: East Asian, 0.003%; no homozygotes.

Submissions (3):

Medgenome Labs Ltd
Classification: Uncertain significance for Anemia, nonspherocytic hemolytic, due to G6PD deficiency. Last evaluated: 2026-07-07. Review status: criteria provided, single submitter. Criteria: ACMG Guidelines, 2015. Collection method: clinical testing. Allele origin: germline. Affected: yes.

Labcorp Genetics (formerly Invitae), Labcorp
Classification: Uncertain significance for Anemia, nonspherocytic hemolytic, due to G6PD deficiency. Last evaluated: 2025-02-10. Review status: criteria provided, single submitter. Criteria: Invitae Variant Classification Sherloc (09022015). Collection method: clinical testing. Allele origin: germline.
Comment: This sequence change replaces arginine, which is basic and polar, with tryptophan, which is neutral and slightly polar, at codon 182 of the G6PD protein (p.Arg182Trp). This variant is present in population databases (rs267606836, gnomAD 0.008%). This missense change has been observed in individual(s) with glucose-6-phosphate dehydrogenase deficiency (PMID: 1353664). ClinVar contains an entry for this variant (Variation ID: 242750). Invitae Evidence Modeling of protein sequence and biophysical properties (such as structural, functional, and spatial information, amino acid conservation, physicochemical variation, residue mobility, and thermodynamic stability) indicates that this missense variant is expected to disrupt G6PD protein function with a positive predictive value of 80%. In summary, the available evidence is currently insufficient to determine the role of this variant in disease. Therefore, it has been classified as a Variant of Uncertain Significance.

Women's Health and Genetics/Laboratory Corporation of America, LabCorp
Classification: Uncertain significance. Last evaluated: 2024-09-13. Review status: criteria provided, single submitter. Criteria: LabCorp Variant Classification Summary - May 2015. Collection method: clinical testing. Allele origin: germline.
Comment: Variant summary: G6PD c.634C>T (p.Arg212Trp) results in a non-conservative amino acid change located in the Glucose-6-phosphate dehydrogenase, C-terminal of the encoded protein sequence. Three of five in-silico tools predict a damaging effect of the variant on protein function. The variant allele was found at a frequency of 1.1e-05 in 183118 control chromosomes. The available data on variant occurrences in the general population are insufficient to allow any conclusion about variant significance. c.634C>T also known as c.544C>T, p.R182W has been reported as part of a haplotype c.[317C>G;544C>T;592C>T] in the literature in individuals affected with Glucose 6 Phosphate Dehydrogenase Deficiency (example: Maeda_1992) . These report(s) do not provide unequivocal conclusions about association of the variant with Glucose 6 Phosphate Dehydrogenase Deficiency. To our knowledge, experimental evidence demonstrating an impact on protein function for this variant alone has not been reported. The following publication has been ascertained in the context of this evaluation (PMID: 1353664). ClinVar contains an entry for this variant (Variation ID: 242750). Based on the evidence outlined above, this variant alone was classified as uncertain significance.

Literature cited by the submitters: PubMed 1353664 (cited by Labcorp Genetics (formerly Invitae), Labcorp and Women's Health and Genetics/Laboratory Corporation of America, LabCorp).

NM_001360016.2(G6PD):c.544C>T (p.Arg182Trp)

Gene: G6PD (glucose-6-phosphate dehydrogenase; minus strand). Cytogenetic location: Xq28.
Variant type: single nucleotide variant.
Coding change: c.544C>T on transcript NM_001360016.2 (MANE Select); coding-DNA position 544, C replaced by T.
Protein change: p.Arg182Trp; replaces arginine 182 with tryptophan.
Molecular consequence: missense variant.
Genome position (GRCh38, 1-based): chrX:154,534,438, G>A on the plus strand (C>T on the coding strand, the complement: G6PD is on the minus strand). VCF-style: chrX-154534438-G-A. GRCh37 (hg19) VCF-style: chrX-153762653-G-A.
Other names: G6PD, ARG182TRP; c.634C>T, p.Arg212Trp (NM_000402.4); c.544C>T, p.Arg182Trp (NM_001042351.3); short protein forms R182W, R212W.
Identifiers: ClinVar variation 242750 (VCV000242750.3), dbSNP rs267606836.